The following is an entry in ClinVar:

NM_003038.5(SLC1A4):c.1109T>C (p.Ile370Thr)

Gene: SLC1A4 (solute carrier family 1 member 4; plus strand). Cytogenetic location: 2p14.
Variant type: single nucleotide variant.
Coding change: c.1109T>C on transcript NM_003038.5 (MANE Select); coding-DNA position 1109, T replaced by C.
Protein change: p.Ile370Thr; replaces isoleucine 370 with threonine.
Molecular consequence: missense variant.
Genome position (GRCh38, 1-based): chr2:65,018,145, T>C. VCF-style: chr2-65018145-T-C. GRCh37 (hg19) VCF-style: chr2-65245279-T-C.
Other names: c.215T>C, p.Ile72Thr (NM_001193493.2); c.449T>C, p.Ile150Thr (NM_001348406.2, NM_001348407.2); short protein forms I150T, I370T, I72T.
Identifiers: ClinVar variation 2864566 (VCV002864566.3), dbSNP rs1253833996, ClinGen allele CA347009866.

ClinVar aggregate classification (germline): Uncertain significance (1 of 4 stars; one submission).

Submission:

Labcorp Genetics (formerly Invitae), Labcorp
Classification: Uncertain significance. Last evaluated: 2023-05-29. Review status: criteria provided, single submitter. Criteria: Invitae Variant Classification Sherloc (09022015). Collection method: clinical testing. Allele origin: germline.
Comment: In summary, the available evidence is currently insufficient to determine the role of this variant in disease. Therefore, it has been classified as a Variant of Uncertain Significance. Advanced modeling of protein sequence and biophysical properties (such as structural, functional, and spatial information, amino acid conservation, physicochemical variation, residue mobility, and thermodynamic stability) performed at Invitae indicates that this missense variant is not expected to disrupt SLC1A4 protein function. This variant has not been reported in the literature in individuals affected with SLC1A4-related conditions. This variant is not present in population databases (gnomAD no frequency). This sequence change replaces isoleucine, which is neutral and non-polar, with threonine, which is neutral and polar, at codon 370 of the SLC1A4 protein (p.Ile370Thr).